The following is an entry in ClinVar:

ClinVar aggregate classification (germline): Uncertain significance (1 of 4 stars; one submission).

Conditions:
Gastrointestinal stromal tumor. Also called: Gastrointestinal stromal tumor, somatic; Gastrointestinal stroma tumor. Identifiers: Orphanet 44890, MedGen C0238198, MeSH D046152, MONDO:0011719, OMIM 606764, HP:0100723.

Submission:

Labcorp Genetics (formerly Invitae), Labcorp
Classification: Uncertain significance for Gastrointestinal stromal tumor. Last evaluated: 2025-04-02. Review status: criteria provided, single submitter. Criteria: Invitae Variant Classification Sherloc (09022015). Collection method: clinical testing. Allele origin: germline.
Comment: This sequence change replaces isoleucine, which is neutral and non-polar, with threonine, which is neutral and polar, at codon 417 of the PDGFRA protein (p.Ile417Thr). This variant is not present in population databases (gnomAD no frequency). This variant has not been reported in the literature in individuals affected with PDGFRA-related conditions. Invitae Evidence Modeling of protein sequence and biophysical properties (such as structural, functional, and spatial information, amino acid conservation, physicochemical variation, residue mobility, and thermodynamic stability) indicates that this missense variant is not expected to disrupt PDGFRA protein function with a negative predictive value of 80%. In summary, the available evidence is currently insufficient to determine the role of this variant in disease. Therefore, it has been classified as a Variant of Uncertain Significance.

NM_006206.6(PDGFRA):c.1250T>C (p.Ile417Thr)

Gene: PDGFRA (platelet derived growth factor receptor alpha; plus strand). Cytogenetic location: 4q12.
Variant type: single nucleotide variant.
Coding change: c.1250T>C on transcript NM_006206.6 (MANE Select); coding-DNA position 1250, T replaced by C.
Protein change: p.Ile417Thr; replaces isoleucine 417 with threonine.
Molecular consequence: missense variant.
Genome position (GRCh38, 1-based): chr4:54,272,406, T>C. VCF-style: chr4-54272406-T-C. GRCh37 (hg19) VCF-style: chr4-55138573-T-C.
Other names: c.1250T>C, p.Ile417Thr (NM_001347827.2, NM_001347829.2); c.1325T>C, p.Ile442Thr (NM_001347828.2); c.1289T>C, p.Ile430Thr (NM_001347830.2); short protein forms I417T, I430T, I442T.
Identifiers: ClinVar variation 4714866 (VCV004714866.1).